The following is an entry in ClinVar:

ClinVar aggregate classification (germline): Uncertain significance (1 of 4 stars; one submission).

Submission:

CeGaT Center for Human Genetics Tuebingen
Classification: Uncertain significance. Last evaluated: 2025-02-01. Review status: criteria provided, single submitter. Criteria: CeGaT Center For Human Genetics Tuebingen Variant Classification Criteria Version 2. Collection method: clinical testing. Allele origin: germline. Affected: yes. Observed: 1 variant allele.
Comment: ATP8B1: PM2, PP2, BP4

NM_001374385.1(ATP8B1):c.2347G>A (p.Ala783Thr)

Genes: ATP8B1 (ATPase phospholipid transporting 8B1; minus strand), ATP8B1-AS1 (ATP8B1 antisense RNA 1; plus strand). Cytogenetic location: 18q21.31.
Variant type: single nucleotide variant.
Coding change: c.2347G>A on transcript NM_001374385.1 (MANE Select); coding-DNA position 2347, G replaced by A.
Protein change: p.Ala783Thr; replaces alanine 783 with threonine.
Molecular consequence: missense variant.
Genome position (GRCh38, 1-based): chr18:57,662,554, C>T on the plus strand (G>A on the coding strand, the complement: ATP8B1 is on the minus strand). VCF-style: chr18-57662554-C-T. GRCh37 (hg19) VCF-style: chr18-55329786-C-T.
Other names: c.2197G>A, p.Ala733Thr (NM_001374386.1); c.2347G>A, p.Ala783Thr (NM_005603.6); short protein forms A733T, A783T.
Identifiers: ClinVar variation 3772512 (VCV003772512.13).